The following is an entry in ClinVar:

ClinVar aggregate classification (germline): Likely pathogenic. Review status: criteria provided, multiple submitters, no conflicts (2 of 4 stars). 2 submissions from 2 submitters: Likely pathogenic (2). Last evaluated 2025-12-05.

Conditions:
Autosomal recessive limb-girdle muscular dystrophy type 2J (LGMDR10). Also called: MUSCULAR DYSTROPHY, LIMB-GIRDLE, AUTOSOMAL RECESSIVE 10; Limb-girdle muscular dystrophy, type 2J. Identifiers: Orphanet 140922, MedGen C1837342, MONDO:0012127, OMIM 608807.
Dilated cardiomyopathy 1G (CMD1G). Identifiers: Orphanet 154, MedGen C1858763, MONDO:0011400, OMIM 604145.
Cardiovascular phenotype. Identifiers: MedGen CN230736.

Submissions (2):

Ambry Genetics
Classification: Likely pathogenic for Cardiovascular phenotype. Last evaluated: 2025-12-05. Review status: criteria provided, single submitter. Criteria: Ambry Variant Classification Scheme 2023. Collection method: clinical testing. Allele origin: germline.
Comment: The p.E6539* variant (also known as c.19615G>T), located in coding exon 78 of the TTN gene, results from a G to T substitution at nucleotide position 19615. This changes the amino acid from a glutamic acid to a stop codon within coding exon 78. This exon is located in the I-band region of the N2-B isoform of the titin protein and is constitutively expressed in TTN transcripts (percent spliced in or PSI 100%). This variant is considered to be rare based on population cohorts in the Genome Aggregation Database (gnomAD). This variant is expected to result in loss of function by premature protein truncation or nonsense-mediated mRNA decay. While truncating variants in TTN are present in 1-3% of the general population, truncating variants in the A-band are the most common cause of dilated cardiomyopathy (Herman DS et al. N. Engl. J. Med., 2012 Feb;366:619-28; Roberts AM et al. Sci Transl Med, 2015 Jan;7:270ra6). TTN truncating variants encoded in constitutive exons (PSI >90%) have been found to be significantly associated with DCM regardless of their position in titin (Schafer S et al. Nat. Genet., 2017 01;49:46-53; Akhtar MM et al. Circ Heart Fail, 2020 Oct;13:e006832; Massier M et al. Clin Genet, 2025 Jan). Based on the majority of available evidence to date, this variant is likely to be pathogenic.

Labcorp Genetics (formerly Invitae), Labcorp
Classification: Likely pathogenic for Dilated cardiomyopathy 1G; Autosomal recessive limb-girdle muscular dystrophy type 2J. Last evaluated: 2024-10-18. Review status: criteria provided, single submitter. Criteria: Invitae Variant Classification Sherloc (09022015). Collection method: clinical testing. Allele origin: germline.
Comment: This sequence change creates a premature translational stop signal (p.Glu15604*) in the TTN gene. While this is not anticipated to result in nonsense mediated decay, it is expected to create a truncated TTN protein. This variant is not present in population databases (gnomAD no frequency). This variant has not been reported in the literature in individuals affected with TTN-related conditions. ClinVar contains an entry for this variant (Variation ID: 1404959). This variant is located in the I band of TTN (PMID: 25589632). Truncating variants in this region have been reported in individuals affected with autosomal recessive centronuclear myopathy (PMID: 23975875, internal data). Truncating variants in this region have also been identified in individuals affected with autosomal dominant dilated cardiomyopathy and/or cardio-related conditions (PMID: 27869827, 32964742, internal data). In summary, the currently available evidence indicates that the variant is pathogenic, but additional data are needed to prove that conclusively. Therefore, this variant has been classified as Likely Pathogenic.

Literature cited by the submitters: PubMed 25589632 (cited by Labcorp Genetics (formerly Invitae), Labcorp); PubMed 23975875 (cited by Labcorp Genetics (formerly Invitae), Labcorp); PubMed 27869827 (cited by Labcorp Genetics (formerly Invitae), Labcorp); PubMed 32964742 (cited by Labcorp Genetics (formerly Invitae), Labcorp).

NM_001267550.2(TTN):c.46810G>T (p.Glu15604Ter)

Genes: TTN (titin; minus strand), TTN-AS1 (TTN antisense RNA 1; plus strand). Cytogenetic location: 2q31.2.
Variant type: single nucleotide variant.
Coding change: c.46810G>T on transcript NM_001267550.2 (MANE Select); coding-DNA position 46810, G replaced by T.
Protein change: p.Glu15604Ter; replaces glutamic acid 15604 with a stop codon.
Molecular consequence: nonsense.
Genome position (GRCh38, 1-based): chr2:178,618,740, C>A on the plus strand (G>T on the coding strand, the complement: TTN is on the minus strand). VCF-style: chr2-178618740-C-A. GRCh37 (hg19) VCF-style: chr2-179483467-C-A.
Other names: c.41887G>T, p.Glu13963Ter (NM_001256850.1); c.19615G>T, p.Glu6539Ter (NM_003319.4); c.39106G>T, p.Glu13036Ter (NM_133378.4); c.19990G>T, p.Glu6664Ter (NM_133432.3); c.20191G>T, p.Glu6731Ter (NM_133437.4); short protein forms E13963*, E15604*, E6664*, E6731*, E13036*, E6539*.
Identifiers: ClinVar variation 1404959 (VCV001404959.9), dbSNP rs749463044, ClinGen allele CA349622186.